The following is an entry in ClinVar:

ClinVar aggregate classification (germline): Benign/Likely benign. Review status: criteria provided, multiple submitters, no conflicts (2 of 4 stars). 2 submissions from 2 submitters: Benign (1); Likely benign (1). Last evaluated 2026-01-28.

Conditions:
Familial sleep-related hypermotor epilepsy. Also called: Autosomal Dominant Sleep-Related Hypermotor (Hyperkinetic) Epilepsy. Identifiers: Orphanet 98784, MedGen C3696898, MONDO:0000030.

Allele frequency attached by ClinVar (database versions not stated): gnomAD 0.00023 and 0.00026; TOPMed 0.00034; ExAC below 0.00001.
gnomAD v4.1: 67 of 1,438,664 alleles (0.0047%); highest among the groups gnomAD compares: African/African-American, 0.088%; no homozygotes.

Submissions (2):

Labcorp Genetics (formerly Invitae), Labcorp
Classification: Benign. Last evaluated: 2026-01-28. Review status: criteria provided, single submitter. Criteria: Invitae Variant Classification Sherloc (09022015). Collection method: clinical testing. Allele origin: germline.

GeneDx
Classification: Likely benign. Last evaluated: 2015-10-27. Review status: criteria provided, single submitter. Criteria: GeneDx Variant Classification (06012015). Collection method: clinical testing. Allele origin: germline. Affected: yes.
Comment: This variant is considered likely benign or benign based on one or more of the following criteria: it is a conservative change, it occurs at a poorly conserved position in the protein, it is predicted to be benign by multiple in silico algorithms, and/or has population frequency not consistent with disease.

NM_000744.7(CHRNA4):c.76+14C>A

Genes: CHRNA4 (cholinergic receptor nicotinic alpha 4 subunit; minus strand), LOC100130587 (uncharacterized LOC100130587; plus strand). Cytogenetic location: 20q13.33.
Variant type: single nucleotide variant.
Coding change: c.76+14C>A on transcript NM_000744.7 (MANE Select); 14 bases into the intron after coding-DNA position 76, C replaced by A.
Molecular consequence: intron variant.
Genome position (GRCh38, 1-based): chr20:63,361,076, G>T on the plus strand (C>A on the coding strand, the complement: CHRNA4 is on the minus strand). VCF-style: chr20-63361076-G-T. GRCh37 (hg19) VCF-style: chr20-61992428-G-T.
Other names: c.-471+101C>A (NM_001256573.2).
Identifiers: ClinVar variation 377668 (VCV000377668.8), dbSNP rs6090386, ClinGen allele CA9958001.
Genomic context (GRCh38, chr20:63,361,076, plus strand): 5'-TCCCTCTGGCTCTGGGGGTCCCAGGCCATCCGAACGCGGGCGAAAGGGGGCCCATCCCGC[G>T]CCCCGTAACTTACCGCGCAGGAGGCCGGTCCCCAGAAGCAGCAGCAGCGGCGGCAGCAGC-3'